The following is an entry in ClinVar:

NM_001081550.2(THOC2):c.1533G>A (p.Met511Ile)

Gene: THOC2 (THO complex subunit 2; minus strand). Cytogenetic location: Xq25.
Variant type: single nucleotide variant.
Coding change: c.1533G>A on transcript NM_001081550.2 (MANE Select); coding-DNA position 1533, G replaced by A.
Protein change: p.Met511Ile; replaces methionine 511 with isoleucine.
Molecular consequence: missense variant.
Genome position (GRCh38, 1-based): chrX:123,644,805, C>T on the plus strand (G>A on the coding strand, the complement: THOC2 is on the minus strand). VCF-style: chrX-123644805-C-T. GRCh37 (hg19) VCF-style: chrX-122778656-C-T.
Other names: short protein forms M511I.
Identifiers: ClinVar variation 3731127 (VCV003731127.1).

ClinVar aggregate classification (germline): Uncertain significance (1 of 4 stars; one submission).

Submission:

GeneDx
Classification: Uncertain significance. Last evaluated: 2024-08-12. Review status: criteria provided, single submitter. Criteria: GeneDx Variant Classification Process June 2021. Collection method: clinical testing. Allele origin: germline. Affected: yes.
Comment: Not observed at significant frequency in large population cohorts (gnomAD); In silico analysis indicates that this missense variant does not alter protein structure/function; Has not been previously published as pathogenic or benign to our knowledge